The following is an entry in ClinVar:

NM_001848.3(COL6A1):c.98-1G>C

Gene: COL6A1 (collagen type VI alpha 1 chain; plus strand). Cytogenetic location: 21q22.3.
Variant type: single nucleotide variant.
Coding change: c.98-1G>C on transcript NM_001848.3 (MANE Select); the canonical splice acceptor site of the intron before coding-DNA position 98, G replaced by C.
Molecular consequence: splice acceptor variant.
Genome position (GRCh38, 1-based): chr21:45,982,633, G>C. VCF-style: chr21-45982633-G-C. GRCh37 (hg19) VCF-style: chr21-47402547-G-C.
Identifiers: ClinVar variation 3775811 (VCV003775811.1).

ClinVar aggregate classification (germline): Pathogenic (1 of 4 stars; one submission).

Conditions:
Bethlem myopathy 1A. Also called: Bethlem Muscular Dystrophy; MYOPATHY, BENIGN CONGENITAL, WITH CONTRACTURES; Bethlem myopathy 1. Identifiers: Orphanet 610, MedGen CN029274, MONDO:0024530, OMIM 158810.

Submission:

3billion
Classification: Pathogenic for Bethlem myopathy 1A. Last evaluated: 2024-01-11. Review status: criteria provided, single submitter. Criteria: ACMG Guidelines, 2015. Collection method: clinical testing. Allele origin: germline. Affected: yes.
Comment: The variant is not observed in the gnomAD v2.1.1 dataset. Predicted Consequence/Location: Canonical splice site: predicted to alter splicing and result in a loss or disruption of normal protein function. Multiple pathogenic loss-of-function variants are reported downstream of the variant. In silico tools predict the variant to alter splicing and produce an abnormal transcript [Splice AI: 0.97 (spliceogenicity >=0.2, non-spliceogenicity <0.1)]. Therefore, this variant is classified as Pathogenic according to the recommendation of ACMG/AMP guideline.